The following is an entry in ClinVar:

NM_001961.4(EEF2):c.2521C>T (p.Arg841Cys)

Gene: EEF2 (eukaryotic translation elongation factor 2; minus strand). Cytogenetic location: 19p13.3.
Variant type: single nucleotide variant.
Coding change: c.2521C>T on transcript NM_001961.4 (MANE Select); coding-DNA position 2521, C replaced by T.
Protein change: p.Arg841Cys; replaces arginine 841 with cysteine.
Molecular consequence: missense variant.
Genome position (GRCh38, 1-based): chr19:3,976,610, G>A on the plus strand (C>T on the coding strand, the complement: EEF2 is on the minus strand). VCF-style: chr19-3976610-G-A. GRCh37 (hg19) VCF-style: chr19-3976608-G-A.
Other names: short protein forms R841C.
Identifiers: ClinVar variation 1723525 (VCV001723525.2), dbSNP rs1180832473, ClinGen allele CA403388320.

ClinVar aggregate classification (germline): Uncertain significance (1 of 4 stars; one submission).

Allele frequency attached by ClinVar (database versions not stated): gnomAD exomes below 0.00001; TOPMed below 0.00001; gnomAD 0.00001.
gnomAD v4.1: 4 of 1,610,626 alleles (0.00025%); highest among the groups gnomAD compares: Non-Finnish European, 0.00034%; no homozygotes.

Submission:

GeneDx
Classification: Uncertain significance. Last evaluated: 2022-05-11. Review status: criteria provided, single submitter. Criteria: GeneDx Variant Classification Process June 2021. Collection method: clinical testing. Allele origin: germline. Affected: yes.
Comment: Not observed at significant frequency in large population cohorts (gnomAD); In silico analysis supports that this missense variant has a deleterious effect on protein structure/function; Has not been previously published as pathogenic or benign to our knowledge